The following is an entry in ClinVar:

NM_032638.5(GATA2):c.713C>A (p.Thr238Asn)

Gene: GATA2 (GATA binding protein 2; minus strand). Cytogenetic location: 3q21.3.
Variant type: single nucleotide variant.
Coding change: c.713C>A on transcript NM_032638.5 (MANE Select); coding-DNA position 713, C replaced by A.
Protein change: p.Thr238Asn; replaces threonine 238 with asparagine.
Molecular consequence: missense variant.
Genome position (GRCh38, 1-based): chr3:128,485,885, G>T on the plus strand (C>A on the coding strand, the complement: GATA2 is on the minus strand). VCF-style: chr3-128485885-G-T. GRCh37 (hg19) VCF-style: chr3-128204728-G-T.
Other names: c.713C>A, p.Thr238Asn (NM_001145661.2, NM_001145662.1); short protein forms T238N.
Identifiers: ClinVar variation 2099298 (VCV002099298.4), dbSNP rs2068688912, ClinGen allele CA354406181.

ClinVar aggregate classification (germline): Uncertain significance (1 of 4 stars; one submission).

Conditions:
Monocytopenia with susceptibility to infections. Also called: IMMUNODEFICIENCY 21; MONOCYTOPENIA AND MYCOBACTERIAL INFECTION SYNDROME; MONOCYTOPENIA WITH SUSCEPTIBILITY TO MYCOBACTERIAL, FUNGAL, AND PAPILLOMAVIRUS INFECTIONS AND MYELODYSPLASIA; COMBINED IMMUNODEFICIENCY WITH SUSCEPTIBILITY TO MYCOBACTERIAL, VIRAL, AND FUNGAL INFECTIONS; Dendritic cell, monocyte, B lymphocyte, and natural killer lymphocyte deficiency; GATA2 DEFICIENCY. Identifiers: Orphanet 228423, MedGen C3280030, MONDO:0013607, OMIM 614172.
Deafness-lymphedema-leukemia syndrome. Also called: Lymphedema, primary, with myelodysplasia; Emberger syndrome. Identifiers: Orphanet 3226, MedGen C3279664, MONDO:0013540, OMIM 614038.

Submission:

Labcorp Genetics (formerly Invitae), Labcorp
Classification: Uncertain significance for Monocytopenia with susceptibility to infections; Deafness-lymphedema-leukemia syndrome. Last evaluated: 2022-09-10. Review status: criteria provided, single submitter. Criteria: Invitae Variant Classification Sherloc (09022015). Collection method: clinical testing. Allele origin: germline.
Comment: This sequence change replaces threonine, which is neutral and polar, with asparagine, which is neutral and polar, at codon 238 of the GATA2 protein (p.Thr238Asn). This variant is not present in population databases (gnomAD no frequency). This variant has not been reported in the literature in individuals affected with GATA2-related conditions. Advanced modeling of protein sequence and biophysical properties (such as structural, functional, and spatial information, amino acid conservation, physicochemical variation, residue mobility, and thermodynamic stability) performed at Invitae indicates that this missense variant is not expected to disrupt GATA2 protein function. In summary, the available evidence is currently insufficient to determine the role of this variant in disease. Therefore, it has been classified as a Variant of Uncertain Significance.